The following is an entry in ClinVar:

NM_000428.3(LTBP2):c.1957A>T (p.Met653Leu)

Gene: LTBP2 (latent transforming growth factor beta binding protein 2; minus strand). Cytogenetic location: 14q24.3.
Variant type: single nucleotide variant.
Coding change: c.1957A>T on transcript NM_000428.3 (MANE Select); coding-DNA position 1957, A replaced by T.
Protein change: p.Met653Leu; replaces methionine 653 with leucine.
Molecular consequence: missense variant.
Genome position (GRCh38, 1-based): chr14:74,532,456, T>A on the plus strand (A>T on the coding strand, the complement: LTBP2 is on the minus strand). VCF-style: chr14-74532456-T-A. GRCh37 (hg19) VCF-style: chr14-74999159-T-A.
Other names: c.1957A>T (NM_000428.2); short protein forms M653L.
Identifiers: ClinVar variation 1488605 (VCV001488605.4), dbSNP rs771041436, ClinGen allele CA7269704.

ClinVar aggregate classification (germline): Uncertain significance. Review status: criteria provided, multiple submitters, no conflicts (2 of 4 stars). 2 submissions from 2 submitters: Uncertain significance (2). Last evaluated 2022-09-27.

Conditions:
Inborn genetic diseases. Identifiers: MedGen C0950123, MeSH D030342.

Allele frequency attached by ClinVar (database versions not stated): gnomAD 0.00002.
gnomAD v4.1: 24 of 1,614,050 alleles (0.0015%); highest among the groups gnomAD compares: Admixed American, 0.037%; no homozygotes.

Submissions (2):

Labcorp Genetics (formerly Invitae), Labcorp
Classification: Uncertain significance. Last evaluated: 2022-09-27. Review status: criteria provided, single submitter. Criteria: Invitae Variant Classification Sherloc (09022015). Collection method: clinical testing. Allele origin: germline.
Comment: This sequence change replaces methionine, which is neutral and non-polar, with leucine, which is neutral and non-polar, at codon 653 of the LTBP2 protein (p.Met653Leu). This variant is present in population databases (rs771041436, gnomAD 0.04%). This variant has not been reported in the literature in individuals affected with LTBP2-related conditions. ClinVar contains an entry for this variant (Variation ID: 1488605). Algorithms developed to predict the effect of missense changes on protein structure and function output the following: SIFT: "Tolerated"; PolyPhen-2: "Benign"; Align-GVGD: "Class C0". The leucine amino acid residue is found in multiple mammalian species, which suggests that this missense change does not adversely affect protein function. In summary, the available evidence is currently insufficient to determine the role of this variant in disease. Therefore, it has been classified as a Variant of Uncertain Significance.

Ambry Genetics
Classification: Uncertain significance for Inborn genetic diseases. Last evaluated: 2022-04-14. Review status: criteria provided, single submitter. Criteria: Ambry Variant Classification Scheme 2023. Collection method: clinical testing. Allele origin: germline.